The following is an entry in ClinVar:

ClinVar aggregate classification (germline): Uncertain significance. Review status: criteria provided, multiple submitters, no conflicts (2 of 4 stars). 2 submissions from 2 submitters: Uncertain significance (2). Last evaluated 2025-05-07.

Allele frequency attached by ClinVar (database versions not stated): gnomAD exomes 0.00003 and 0.00004; 1000 Genomes Project 0.00020; ExAC 0.00002; ESP Exome Variant Server 0.00008; TOPMed 0.00009; 1000 Genomes Project 30x 0.00016; gnomAD 0.00007.
gnomAD v4.1: 60 of 1,614,090 alleles (0.0037%); highest among the groups gnomAD compares: Middle Eastern, 0.066%; no homozygotes.

Submissions (2):

Mayo Clinic Laboratories, Mayo Clinic
Classification: Uncertain significance. Last evaluated: 2025-05-07. Review status: criteria provided, single submitter. Criteria: ACMG Guidelines, 2015. Collection method: clinical testing. Allele origin: germline. Observed: 1 variant allele.
Comment: BP4_moderate

Eurofins Ntd Llc (ga)
Classification: Uncertain significance. Last evaluated: 2018-07-05. Review status: criteria provided, single submitter. Criteria: EGL ClinVar v180209 classification definitions. Collection method: clinical testing. Allele origin: germline. Observed: 1 variant allele, 1 heterozygote.

Literature cited by the submitters: PubMed 32101444 (cited by Mayo Clinic Laboratories, Mayo Clinic).

NM_003049.4(SLC10A1):c.512C>T (p.Thr171Ile)

Gene: SLC10A1 (solute carrier family 10 member 1; minus strand). Cytogenetic location: 14q24.1.
Variant type: single nucleotide variant.
Coding change: c.512C>T on transcript NM_003049.4 (MANE Select); coding-DNA position 512, C replaced by T.
Protein change: p.Thr171Ile; replaces threonine 171 with isoleucine.
Molecular consequence: missense variant.
Genome position (GRCh38, 1-based): chr14:69,786,152, G>A on the plus strand (C>T on the coding strand, the complement: SLC10A1 is on the minus strand). VCF-style: chr14-69786152-G-A. GRCh37 (hg19) VCF-style: chr14-70252869-G-A.
Other names: p.Thr171Ile; short protein forms T171I.
Identifiers: ClinVar variation 597926 (VCV000597926.6), dbSNP rs202007233, ClinGen allele CA7246143.